The following is an entry in ClinVar:

ClinVar aggregate classification (germline): other (0 of 4 stars; one submission).

Conditions:
Familial colorectal cancer. Identifiers: MedGen CN280943, MONDO:0023113. Disease mechanism: loss of function.

Submission:

Systems Biology Platform Zhejiang California International NanoSystems Institute
Classification: other for Familial colorectal cancer. Review status: no assertion criteria provided. Collection method: not provided. Allele origin: unknown.
ClinVar note: Converted during submission from cancer to other.

NM_000038.6(APC):c.7973G>T (p.Trp2658Leu)

Gene: APC (APC regulator of WNT signaling pathway; plus strand). Cytogenetic location: 5q22.2.
Variant type: single nucleotide variant.
Coding change: c.7973G>T on transcript NM_000038.6 (MANE Select); coding-DNA position 7973, G replaced by T.
Protein change: p.Trp2658Leu; replaces tryptophan 2658 with leucine.
Molecular consequence: missense variant.
Genome position (GRCh38, 1-based): chr5:112,843,567, G>T. VCF-style: chr5-112843567-G-T. GRCh37 (hg19) VCF-style: chr5-112179264-G-T.
Other names: c.7973G>T, p.Trp2658Leu (NM_001127510.3, NM_001354895.2); c.7919G>T, p.Trp2640Leu (NM_001127511.3); c.8027G>T, p.Trp2676Leu (NM_001354896.2); c.8003G>T, p.Trp2668Leu (NM_001354897.2); c.7898G>T, p.Trp2633Leu (NM_001354898.2); c.7889G>T, p.Trp2630Leu (NM_001354899.2); c.7850G>T, p.Trp2617Leu (NM_001354900.2); c.7796G>T, p.Trp2599Leu (NM_001354901.2); and 5 more; short protein forms W2640L, W2658L, W2375L, W2532L, W2557L, W2617L, W2498L, W2599L.
Identifiers: ClinVar variation 83249 (VCV000083249.2), dbSNP rs79619757, ClinGen allele CA014213.
Genomic context (GRCh38, chr5:112,843,567, plus strand): 5'-CTGAATCAAAGACTCTAATTTATCAAATGGCACCTGCTGTTTCTAAAACAGAGGATGTTT[G>T]GGTGAGAATTGAGGACTGTCCCATTAACAATCCTAGATCTGGAAGATCTCCCACAGGTAA-3'
Protein context (NP_000029.2, residues 2648-2668): APAVSKTEDV[Trp2658Leu]VRIEDCPINN